The following is an entry in ClinVar:

ClinVar aggregate classification (germline): Uncertain significance (1 of 4 stars; one submission).

Conditions:
Menkes kinky-hair syndrome (MNK). Also called: Copper transport disease; Menkes Disease; Classic Menkes Disease. Identifiers: Orphanet 565, MedGen C0022716, MONDO:0010651, OMIM 309400.
Cutis laxa, X-linked (OHS). Also called: EDS IX; Occipital horn syndrome. Identifiers: Orphanet 198, MedGen C0268353, MONDO:0010572, OMIM 304150.
X-linked distal spinal muscular atrophy type 3. Also called: ATP7A-Related Distal Motor Neuropathy; SPINAL MUSCULAR ATROPHY, DISTAL, X-LINKED RECESSIVE; NEURONOPATHY, DISTAL HEREDITARY MOTOR, X-LINKED; NEUROPATHY, DISTAL HEREDITARY MOTOR, X-LINKED. Identifiers: Orphanet 139557, MedGen C1845359, MONDO:0010338, OMIM 300489.

Submission:

Labcorp Genetics (formerly Invitae), Labcorp
Classification: Uncertain significance for X-linked distal spinal muscular atrophy type 3; Cutis laxa, X-linked; Menkes kinky-hair syndrome. Last evaluated: 2023-04-14. Review status: criteria provided, single submitter. Criteria: Invitae Variant Classification Sherloc (09022015). Collection method: clinical testing. Allele origin: germline.
Comment: This sequence change replaces serine, which is neutral and polar, with cysteine, which is neutral and slightly polar, at codon 164 of the ATP7A protein (p.Ser164Cys). In summary, the available evidence is currently insufficient to determine the role of this variant in disease. Therefore, it has been classified as a Variant of Uncertain Significance. Advanced modeling of protein sequence and biophysical properties (such as structural, functional, and spatial information, amino acid conservation, physicochemical variation, residue mobility, and thermodynamic stability) performed at Invitae indicates that this missense variant is not expected to disrupt ATP7A protein function. This variant has not been reported in the literature in individuals affected with ATP7A-related conditions. This variant is not present in population databases (gnomAD no frequency).

NM_000052.7(ATP7A):c.490A>T (p.Ser164Cys)

Gene: ATP7A (ATPase copper transporting alpha; plus strand). Cytogenetic location: Xq21.1.
Variant type: single nucleotide variant.
Coding change: c.490A>T on transcript NM_000052.7 (MANE Select); coding-DNA position 490, A replaced by T.
Protein change: p.Ser164Cys; replaces serine 164 with cysteine.
Molecular consequence: missense variant.
Genome position (GRCh38, 1-based): chrX:77,988,611, A>T. VCF-style: chrX-77988611-A-T. GRCh37 (hg19) VCF-style: chrX-77244107-A-T.
Other names: c.490A>T, p.Ser164Cys (NM_001282224.2); short protein forms S164C.
Identifiers: ClinVar variation 2946211 (VCV002946211.3), dbSNP rs2522290310, ClinGen allele CA413600088.